The following is an entry in ClinVar:

NC_000009.11:g.(?_2718171)_(2729909_?)del

Gene: KCNV2 (potassium voltage-gated channel modifier subfamily V member 2; plus strand). Cytogenetic location: 9p24.2.
Variant type: Deletion.
Identifiers: ClinVar variation 3245388 (VCV003245388.1).

ClinVar aggregate classification (germline): Pathogenic (1 of 4 stars; one submission).

Submission:

Labcorp Genetics (formerly Invitae), Labcorp
Classification: Pathogenic. Last evaluated: 2022-10-17. Review status: criteria provided, single submitter. Criteria: Invitae Variant Classification Sherloc (09022015). Collection method: clinical testing. Allele origin: unknown.
Comment: For these reasons, this variant has been classified as Pathogenic. This variant disrupts a region of the KCNV2 protein in which other variant(s) (p.Ser333Alafs*122) have been determined to be pathogenic (PMID: 23725738, 29210963). This suggests that this is a clinically significant region of the protein, and that variants that disrupt it are likely to be disease-causing. Variants that disrupt the consensus splice site are a relatively common cause of aberrant splicing (PMID: 17576681, 9536098). This variant is also known as c.434_*30+154del. This variant has been observed in individual(s) with retinal disease (PMID: 21882291). It has also been observed to segregate with disease in related individuals. This variant results in the deletion of exon 2 and part of exon 1 (c.434_*184del) of the KCNV2 gene. While this variant is not anticipated to result in nonsense mediated decay, it likely alters RNA splicing and results in a disrupted protein product.

Literature cited by the submitters: PubMed 23725738; PubMed 29210963; PubMed 17576681; PubMed 9536098; PubMed 21882291.